The following is an entry in ClinVar:

ClinVar aggregate classification (germline): Pathogenic. Review status: criteria provided, multiple submitters, no conflicts (2 of 4 stars). 2 submissions from 2 submitters: Pathogenic (2). Last evaluated 2025-09-15.

Conditions:
Biotinidase deficiency. Also called: BTD deficiency; Late-onset biotin-responsive multiple carboxylase deficiency; Biotin deficiency. Identifiers: Orphanet 79241, MedGen C0220754, MONDO:0009665, OMIM 253260.

Submissions (2):

Labcorp Genetics (formerly Invitae), Labcorp
Classification: Pathogenic for Biotinidase deficiency. Last evaluated: 2025-09-15. Review status: criteria provided, single submitter. Criteria: Invitae Variant Classification Sherloc (09022015). Collection method: clinical testing. Allele origin: germline.
Comment: This sequence change creates a premature translational stop signal (p.Leu422Profs*23) in the BTD gene. While this is not anticipated to result in nonsense mediated decay, it is expected to disrupt the last 122 amino acid(s) of the BTD protein. This variant is not present in population databases (gnomAD no frequency). This premature translational stop signal has been observed in individual(s) with clinical features of BTD-related conditions (PMID: 20083419). ClinVar contains an entry for this variant (Variation ID: 2435597). This variant disrupts a region of the BTD protein in which other variant(s) (p.Asp543Glu) have been determined to be pathogenic (PMID: 25174816, 25967232, 28498829). This suggests that this is a clinically significant region of the protein, and that variants that disrupt it are likely to be disease-causing. For these reasons, this variant has been classified as Pathogenic.

Revvity Omics, Revvity
Classification: Pathogenic for Biotinidase deficiency. Last evaluated: 2022-09-23. Review status: criteria provided, single submitter. Criteria: ACMG Guidelines, 2015. Collection method: clinical testing. Allele origin: germline.

Literature cited by the submitters: PubMed 20083419 (cited by Labcorp Genetics (formerly Invitae), Labcorp); PubMed 25174816 (cited by Labcorp Genetics (formerly Invitae), Labcorp); PubMed 25967232 (cited by Labcorp Genetics (formerly Invitae), Labcorp); PubMed 28498829 (cited by Labcorp Genetics (formerly Invitae), Labcorp).

NM_001370658.1(BTD):c.1204dup (p.Leu402fs)

Gene: BTD (biotinidase; plus strand). Cytogenetic location: 3p25.1.
Variant type: Duplication.
Coding change: c.1204dup on transcript NM_001370658.1 (MANE Select); coding-DNA position 1204, one base duplicated (C; older notation c.1204dupC).
Protein change: p.Leu402fs; shifts the reading frame from leucine 402.
Molecular consequence: frameshift variant. On other transcripts: intron variant (8).
Genome position (GRCh38, 1-based): chr3:15,645,120, C duplicated; the last of 2 consecutive C bases (chr3:15,645,119-15,645,120); duplicating either gives the same sequence. VCF-style (leftmost placement, unchanged base first): chr3-15645118-G-GC. GRCh37 (hg19) VCF-style: chr3-15686625-G-GC.
Other names: c.399+3063dup (NM_001370753.1, NM_001407400.1, NM_001407401.1 and 3 more transcripts); c.1204dup, p.Leu402fs (NM_001407370.1, NM_001407371.1, NM_001407372.1 and 16 more transcripts); c.1015+189dup (NM_001370752.1, NM_001407379.1); short protein forms L402fs.
Identifiers: ClinVar variation 2435597 (VCV002435597.4), dbSNP rs397514411, ClinGen allele CA278311.
Genomic context (GRCh38, chr3:15,645,118, plus strand): 5'-ACAATTTCACCCTGGTCCCTGTCTGGGGAAAGGAAGGCTATCTCCACGTCTGTTCCAATG[G>GC]CCTCTGCTGTTATTTACTTTACGAGAGGCCCACCTTATCCAAAGAGCTGTATGCCCTGGG-3'